The following is an entry in ClinVar:

ClinVar aggregate classification (germline): Likely benign. Review status: criteria provided, multiple submitters, no conflicts (2 of 4 stars). 4 submissions from 4 submitters: Likely benign (4). Last evaluated 2026-01-11.

Conditions:
Cardiac arrhythmia. Also called: Cardiac rhythm disease; Arrhythmia. Identifiers: MedGen C0003811, MONDO:0007263, HP:0011675.
Cardiovascular phenotype. Identifiers: MedGen CN230736.
Long QT syndrome (LQTS). Identifiers: MedGen C0023976, MeSH D008133, MONDO:0002442. Disease mechanism: loss of function. Inheritance: Various modes of inheritance.

Allele frequency attached by ClinVar (database versions not stated): gnomAD exomes below 0.00001; TOPMed below 0.00001; ExAC 0.00001.

Submissions (4):

Labcorp Genetics (formerly Invitae), Labcorp
Classification: Likely benign for Long QT syndrome. Last evaluated: 2026-01-11. Review status: criteria provided, single submitter. Criteria: Invitae Variant Classification Sherloc (09022015). Collection method: clinical testing. Allele origin: germline.

All of Us Research Program, National Institutes of Health
Classification: Likely benign for Long QT syndrome. Last evaluated: 2024-01-08. Review status: criteria provided, single submitter. Criteria: ACMG Guidelines, 2015. Collection method: clinical testing. Allele origin: germline. Inheritance: Autosomal dominant inheritance. Observed: 5 variant alleles, 5 heterozygotes.
Comment: This study involves interpretation of variants in research participants for the purpose of population health screening. Participant phenotype was not available at the time of variant classification. Additional details can be found in publication PMID: 35346344, PMCID: PMC8962531

Ambry Genetics
Classification: Likely benign for Cardiovascular phenotype. Last evaluated: 2023-09-28. Review status: criteria provided, single submitter. Criteria: Ambry Variant Classification Scheme 2023. Collection method: clinical testing. Allele origin: germline.

Color Diagnostics, LLC DBA Color Health
Classification: Likely benign for Arrhythmia. Last evaluated: 2019-11-20. Review status: criteria provided, single submitter. Criteria: ACMG Guidelines, 2015. Collection method: clinical testing. Allele origin: germline.

NM_000238.4(KCNH2):c.219C>A (p.Arg73=)

Gene: KCNH2 (potassium voltage-gated channel subfamily H member 2; minus strand). Cytogenetic location: 7q36.1.
Variant type: single nucleotide variant.
Coding change: c.219C>A on transcript NM_000238.4 (MANE Select); coding-DNA position 219, C replaced by A.
Protein change: p.Arg73=; no amino-acid change (arginine 73 retained).
Molecular consequence: synonymous variant. On other transcripts: non-coding transcript variant (1).
Genome position (GRCh38, 1-based): chr7:150,974,799, G>T on the plus strand (C>A on the coding strand, the complement: KCNH2 is on the minus strand). VCF-style: chr7-150974799-G-T. GRCh37 (hg19) VCF-style: chr7-150671887-G-T.
Other names: c.42C>A, p.Arg14= (NM_001406755.1); c.219C>A, p.Arg73= (NM_172056.3).
Identifiers: ClinVar variation 927372 (VCV000927372.15), dbSNP rs761494105, ClinGen allele CA031279.